The following is an entry in ClinVar:

NM_001377142.1(PLCB4):c.*271A>G

Gene: PLCB4 (phospholipase C beta 4; plus strand). Cytogenetic location: 20p12.2.
Variant type: single nucleotide variant.
Coding change: c.*271A>G on transcript NM_001377142.1 (MANE Select); 271 bases downstream of the stop codon, A replaced by G.
Molecular consequence: 3 prime UTR variant.
Genome position (GRCh38, 1-based): chr20:9,479,280, A>G. VCF-style: chr20-9479280-A-G. GRCh37 (hg19) VCF-style: chr20-9459927-A-G.
Other names: c.*271A>G (NM_000933.4, NM_001377134.2, NM_001377135.1 and 1 more transcripts); c.*291A>G (NM_001172646.2, NM_001377136.1, NM_182797.3).
Identifiers: ClinVar variation 339600 (VCV000339600.6), dbSNP rs2076392, ClinGen allele CA10644490.

ClinVar aggregate classification (germline): Benign. Review status: criteria provided, multiple submitters, no conflicts (2 of 4 stars). 2 submissions from 2 submitters: Benign (2). Last evaluated 2018-01-12.

Conditions:
Auriculocondylar syndrome 2 (ARCND2A). Also called: AURICULOCONDYLAR SYNDROME 2A. Identifiers: Orphanet 137888, MedGen C3553404, MONDO:0013845, OMIM 614669.

Allele frequency attached by ClinVar (database versions not stated): gnomAD 0.08109 and 0.08351; gnomAD exomes 0.08145; TOPMed 0.08838; 1000 Genomes Project 30x 0.11462; 1000 Genomes Project 0.11941.
gnomAD v4.1: 35,068 of 428,822 alleles (8.2%); highest among the groups gnomAD compares: East Asian, 29%; 2,122 homozygotes.

Submissions (2):

Illumina Laboratory Services, Illumina
Classification: Benign for Auriculocondylar syndrome 2. Last evaluated: 2018-01-12. Review status: criteria provided, single submitter. Criteria: ICSL Variant Classification Criteria 13 December 2019. Collection method: clinical testing. Allele origin: germline.
Comment: This variant was observed in the ICSL laboratory as part of a predisposition screen in an ostensibly healthy population. It had not been previously curated by ICSL or reported in the Human Gene Mutation Database (HGMD: prior to June 1st, 2018), and was therefore a candidate for classification through an automated scoring system. Utilizing variant allele frequency, disease prevalence and penetrance estimates, and inheritance mode, an automated score was calculated to assess if this variant is too frequent to cause the disease. Based on the score and internal cut-off values, a variant classified as benign is not then subjected to further curation. The score for this variant resulted in a classification of benign for this disease.

Breakthrough Genomics
Classification: Benign. Review status: criteria provided, single submitter. Criteria: ACMG Guidelines, 2015. Collection method: not provided. Allele origin: germline. Inheritance: Autosomal dominant inheritance. Affected: yes.